The following is an entry in ClinVar:

ClinVar aggregate classification (germline): Uncertain significance (1 of 4 stars; one submission).

Allele frequency attached by ClinVar (database versions not stated): gnomAD 0.00001; TOPMed 0.00001; ESP Exome Variant Server 0.00008.
gnomAD v4.1: 32 of 1,609,992 alleles (0.002%); highest among the groups gnomAD compares: Non-Finnish European, 0.0026%; no homozygotes.

Submission:

Labcorp Genetics (formerly Invitae), Labcorp
Classification: Uncertain significance. Last evaluated: 2022-06-22. Review status: criteria provided, single submitter. Criteria: Invitae Variant Classification Sherloc (09022015). Collection method: clinical testing. Allele origin: germline.
Comment: In summary, the available evidence is currently insufficient to determine the role of this variant in disease. Therefore, it has been classified as a Variant of Uncertain Significance. Algorithms developed to predict the effect of missense changes on protein structure and function (SIFT, PolyPhen-2, Align-GVGD) all suggest that this variant is likely to be tolerated. This variant has not been reported in the literature in individuals affected with NXN-related conditions. This variant is present in population databases (rs374139460, gnomAD 0.0009%). This sequence change replaces valine, which is neutral and non-polar, with leucine, which is neutral and non-polar, at codon 312 of the NXN protein (p.Val312Leu).

NM_022463.5(NXN):c.934G>C (p.Val312Leu)

Gene: NXN (nucleoredoxin; minus strand). Cytogenetic location: 17p13.3.
Variant type: single nucleotide variant.
Coding change: c.934G>C on transcript NM_022463.5 (MANE Select); coding-DNA position 934, G replaced by C.
Protein change: p.Val312Leu; replaces valine 312 with leucine.
Molecular consequence: missense variant.
Genome position (GRCh38, 1-based): chr17:805,134, C>G on the plus strand (G>C on the coding strand, the complement: NXN is on the minus strand). VCF-style: chr17-805134-C-G. GRCh37 (hg19) VCF-style: chr17-708374-C-G.
Other names: c.610G>C, p.Val204Leu (NM_001205319.1); short protein forms V312L, V204L.
Identifiers: ClinVar variation 1507906 (VCV001507906.4), dbSNP rs374139460, ClinGen allele CA8264011.